The following is an entry in ClinVar:

NM_014874.4(MFN2):c.2173G>C (p.Asp725His)

Gene: MFN2 (mitofusin 2; plus strand). Cytogenetic location: 1p36.22.
Variant type: single nucleotide variant.
Coding change: c.2173G>C on transcript NM_014874.4 (MANE Select); coding-DNA position 2173, G replaced by C.
Protein change: p.Asp725His; replaces aspartic acid 725 with histidine.
Molecular consequence: missense variant.
Genome position (GRCh38, 1-based): chr1:12,009,695, G>C. VCF-style: chr1-12009695-G-C. GRCh37 (hg19) VCF-style: chr1-12069752-G-C.
Other names: c.2173G>C, p.Asp725His (NM_001127660.2); short protein forms D725H.
Identifiers: ClinVar variation 4752837 (VCV004752837.1).

ClinVar aggregate classification (germline): Uncertain significance (1 of 4 stars; one submission).

Conditions:
Charcot-Marie-Tooth disease type 2. Also called: Charcot-Marie-Tooth type 2. Identifiers: Orphanet 64746, MedGen C0270914, MONDO:0018993.

Submission:

Labcorp Genetics (formerly Invitae), Labcorp
Classification: Uncertain significance for Charcot-Marie-Tooth disease type 2. Last evaluated: 2025-05-11. Review status: criteria provided, single submitter. Criteria: Invitae Variant Classification Sherloc (09022015). Collection method: clinical testing. Allele origin: germline.
Comment: This sequence change replaces aspartic acid, which is acidic and polar, with histidine, which is basic and polar, at codon 725 of the MFN2 protein (p.Asp725His). This variant is not present in population databases (gnomAD no frequency). This variant has not been reported in the literature in individuals affected with MFN2-related conditions. Invitae Evidence Modeling of protein sequence and biophysical properties (such as structural, functional, and spatial information, amino acid conservation, physicochemical variation, residue mobility, and thermodynamic stability) has been performed for this missense variant. However, the output from this modeling did not meet the statistical confidence thresholds required to predict the impact of this variant on MFN2 protein function. In summary, the available evidence is currently insufficient to determine the role of this variant in disease. Therefore, it has been classified as a Variant of Uncertain Significance.